The following is an entry in ClinVar:

NM_004415.4(DSP):c.1731G>A (p.Met577Ile)

Gene: DSP (desmoplakin; plus strand). Cytogenetic location: 6p24.3.
Variant type: single nucleotide variant.
Coding change: c.1731G>A on transcript NM_004415.4 (MANE Select); coding-DNA position 1731, G replaced by A.
Protein change: p.Met577Ile; replaces methionine 577 with isoleucine.
Molecular consequence: missense variant.
Genome position (GRCh38, 1-based): chr6:7,571,412, G>A. VCF-style: chr6-7571412-G-A. GRCh37 (hg19) VCF-style: chr6-7571645-G-A.
Other names: p.M577I:ATG>ATA; c.1731G>A (LRG_423t1); c.1731G>A, p.Met577Ile (NM_001008844.3, NM_001319034.2); short protein forms M577I.
Identifiers: ClinVar variation 199837 (VCV000199837.17), dbSNP rs794728101, ClinGen allele CA005124.

ClinVar aggregate classification (germline): Conflicting classifications of pathogenicity. Review status: criteria provided, conflicting classifications (1 of 4 stars). 4 submissions from 4 submitters: Uncertain significance (3); Likely benign (1). Last evaluated 2025-01-29.

Conditions:
Arrhythmogenic cardiomyopathy with wooly hair and keratoderma. Also called: Carvajal syndrome; Dilated cardiomyopathy with woolly hair and keratoderma; Arrhythmogenic cardiomyopathy with woolly hair and keratoderma; PALMOPLANTAR KERATODERMA WITH LEFT VENTRICULAR CARDIOMYOPATHY AND WOOLLY HAIR. Identifiers: Orphanet 65282, MedGen C1854063, MONDO:0011581, OMIM 605676.
Arrhythmogenic right ventricular dysplasia 8 (ARVD8). Also called: Arrhythmogenic Right Ventricular Dysplasia/Cardiomyopathy 8; ARRHYTHMOGENIC RIGHT VENTRICULAR CARDIOMYOPATHY 8; ARRHYTHMOGENIC RIGHT VENTRICULAR DYSPLASIA, FAMILIAL, 8. Identifiers: MedGen C1843896, MONDO:0011831, OMIM 607450.
Cardiomyopathy (CMYO). Also called: Cardiomyopathies. Identifiers: Orphanet 167848, MedGen C0878544, MONDO:0004994, HP:0001638. Inheritance: Various modes of inheritance.

Allele frequency attached by ClinVar (database versions not stated): gnomAD 0.00001; gnomAD exomes 0.00001; TOPMed 0.00002.
gnomAD v4.1: 13 of 1,614,068 alleles (0.00081%); highest among the groups gnomAD compares: Admixed American, 0.0033%; no homozygotes.

Submissions (4):

Labcorp Genetics (formerly Invitae), Labcorp
Classification: Likely benign for Arrhythmogenic cardiomyopathy with wooly hair and keratoderma; Arrhythmogenic right ventricular dysplasia 8. Last evaluated: 2025-01-29. Review status: criteria provided, single submitter. Criteria: Invitae Variant Classification Sherloc (09022015). Collection method: clinical testing. Allele origin: germline.

All of Us Research Program, National Institutes of Health
Classification: Uncertain significance for Arrhythmogenic cardiomyopathy with wooly hair and keratoderma. Last evaluated: 2024-06-11. Review status: criteria provided, single submitter. Criteria: ACMG Guidelines, 2015. Collection method: clinical testing. Allele origin: germline. Inheritance: Autosomal dominant inheritance. Observed: 7 variant alleles, 7 heterozygotes.
Comment: This missense variant replaces methionine with isoleucine at codon 577 of the DSP protein. Computational prediction suggests that this variant may not impact protein structure and function (internally defined REVEL score threshold <= 0.5, PMID: 27666373). To our knowledge, functional studies have not been reported for this variant. This variant has not been reported in individuals affected with DSP-related disorders in the literature. This variant has been identified in 4/282716 chromosomes in the general population by the Genome Aggregation Database (gnomAD). The available evidence is insufficient to determine the role of this variant in disease conclusively. Therefore, this variant is classified as a Variant of Uncertain Significance.

This study involves interpretation of variants in research participants for the purpose of population health screening. Participant phenotype was not available at the time of variant classification. Additional details can be found in publication PMID: 35346344, PMCID: PMC8962531

Color Diagnostics, LLC DBA Color Health
Classification: Uncertain significance for Cardiomyopathy. Last evaluated: 2024-02-13. Review status: criteria provided, single submitter. Criteria: ACMG Guidelines, 2015. Collection method: clinical testing. Allele origin: germline.
Comment: This missense variant replaces methionine with isoleucine at codon 577 of the DSP protein. Computational prediction tools indicate that this variant has a neutral impact on protein structure and function. To our knowledge, functional studies have not been reported for this variant. This variant has been reported in one individual affected with peripartum cardiomyopathy (PMID: 33874732). This variant has been identified in 4/282716 chromosomes in the general population by the Genome Aggregation Database (gnomAD). The available evidence is insufficient to determine the role of this variant in disease conclusively. Therefore, this variant is classified as a Variant of Uncertain Significance.

GeneDx
Classification: Uncertain significance. Last evaluated: 2022-05-09. Review status: criteria provided, single submitter. Criteria: GeneDx Variant Classification Process June 2021. Collection method: clinical testing. Allele origin: germline. Affected: yes.
Comment: Not observed at significant frequency in large population cohorts (gnomAD); In silico analysis supports that this missense variant does not alter protein structure/function; Has not been previously published as pathogenic or benign to our knowledge

Literature cited by the submitters: PubMed 33874732 (cited by Color Diagnostics, LLC DBA Color Health).